The following is an entry in ClinVar:

ClinVar aggregate classification (germline): Uncertain significance. Review status: criteria provided, multiple submitters, no conflicts (2 of 4 stars). 2 submissions from 2 submitters: Uncertain significance (2). Last evaluated 2025-10-07.

Conditions:
Hypertrophic cardiomyopathy 10. Also called: CARDIOMYOPATHY, HYPERTROPHIC, MID-LEFT VENTRICULAR CHAMBER TYPE, 2; MYL2-Related Familial Hypertrophic Cardiomyopathy. Identifiers: MedGen C1834460, MONDO:0012112, OMIM 608758.
Cardiovascular phenotype. Identifiers: MedGen CN230736.

Submissions (2):

Ambry Genetics
Classification: Uncertain significance for Cardiovascular phenotype. Last evaluated: 2025-10-07. Review status: criteria provided, single submitter. Criteria: Ambry Variant Classification Scheme 2023. Collection method: clinical testing. Allele origin: germline.

Labcorp Genetics (formerly Invitae), Labcorp
Classification: Uncertain significance for Hypertrophic cardiomyopathy 10. Last evaluated: 2025-05-28. Review status: criteria provided, single submitter. Criteria: Invitae Variant Classification Sherloc (09022015). Collection method: clinical testing. Allele origin: germline.
Comment: This sequence change replaces glutamic acid, which is acidic and polar, with lysine, which is basic and polar, at codon 121 of the MYL2 protein (p.Glu121Lys). This variant is not present in population databases (gnomAD no frequency). This variant has not been reported in the literature in individuals affected with MYL2-related conditions. An algorithm developed to predict the effect of missense changes on protein structure and function (PolyPhen-2) suggests that this variant is likely to be tolerated. In summary, the available evidence is currently insufficient to determine the role of this variant in disease. Therefore, it has been classified as a Variant of Uncertain Significance.

NM_000432.4(MYL2):c.361G>A (p.Glu121Lys)

Gene: MYL2 (myosin light chain 2; minus strand). Cytogenetic location: 12q24.11.
Variant type: single nucleotide variant.
Coding change: c.361G>A on transcript NM_000432.4 (MANE Select); coding-DNA position 361, G replaced by A.
Protein change: p.Glu121Lys; replaces glutamic acid 121 with lysine.
Molecular consequence: missense variant.
Genome position (GRCh38, 1-based): chr12:110,913,137, C>T on the plus strand (G>A on the coding strand, the complement: MYL2 is on the minus strand). VCF-style: chr12-110913137-C-T. GRCh37 (hg19) VCF-style: chr12-111350941-C-T.
Other names: c.319G>A, p.Glu107Lys (NM_001406745.1); c.304G>A, p.Glu102Lys (NM_001406916.1); short protein forms E102K, E107K, E121K.
Identifiers: ClinVar variation 4614654 (VCV004614654.2).